The following is an entry in ClinVar:

ClinVar aggregate classification (germline): Uncertain significance (1 of 4 stars; one submission).

Conditions:
Chuvash polycythemia. Also called: POLYCYTHEMIA, VHL-DEPENDENT. Identifiers: Orphanet 238557, MedGen C1837915, MONDO:0009892, OMIM 263400.
Von Hippel-Lindau syndrome (VHLS). Also called: von Hippel–Lindau syndrome; VHL syndrome; Von Hippel-Lindau. Identifiers: Orphanet 892, MedGen C0019562, MONDO:0008667, OMIM 193300. Disease mechanism: loss of function.

Submission:

Labcorp Genetics (formerly Invitae), Labcorp
Classification: Uncertain significance for Von Hippel-Lindau syndrome; Chuvash polycythemia. Last evaluated: 2025-10-20. Review status: criteria provided, single submitter. Criteria: Invitae Variant Classification Sherloc (09022015). Collection method: clinical testing. Allele origin: germline.
Comment: This sequence change falls in intron 1 of the VHL gene. It is not expected to change the encoded amino acid sequence of the VHL protein. However, this sequence change falls within a cryptic exon in the VHL gene, known as exon E1’, which is naturally expressed at low levels in several human tissues (PMID: 29891534). This variant is not present in population databases (gnomAD no frequency). This variant has not been reported in the literature in individuals affected with VHL-related conditions. Algorithms developed to predict the effect of sequence changes on RNA splicing suggest that this variant is not likely to affect RNA splicing. In summary, the available evidence is currently insufficient to determine the role of this variant in disease. Therefore, it has been classified as a Variant of Uncertain Significance.

Literature cited by the submitters: PubMed 29891534.

NM_000551.4(VHL):c.340+614G>C

Genes: VHL (von Hippel-Lindau tumor suppressor; plus strand), LOC107303340 (3p25 von Hippel-Lindau tumor suppressor, E3 ubiquitin protein ligase Alu-mediated recombination region; plus strand). Cytogenetic location: 3p25.3.
Variant type: single nucleotide variant.
Coding change: c.340+614G>C on transcript NM_000551.4 (MANE Select); 614 bases into the intron after coding-DNA position 340, G replaced by C.
Molecular consequence: intron variant. On other transcripts: missense variant (1), non-coding transcript variant (1).
Genome position (GRCh38, 1-based): chr3:10,142,801, G>C. VCF-style: chr3-10142801-G-C. GRCh37 (hg19) VCF-style: chr3-10184485-G-C.
Other names: c.379G>C, p.Ala127Pro (NM_001354723.2); c.340+614G>C (NM_198156.3); short protein forms A127P.
Identifiers: ClinVar variation 4793769 (VCV004793769.1).
Genomic context (GRCh38, chr3:10,142,801, plus strand): 5'-CCTTAACACCCCATCTGTTCAGTCCTCATGACTCCAGTGGGCCAGTTCTGCGTAGTCCCT[G>C]CCCTCGTGGAGAACACATTCCTCCTGGGGAGACTGACAGATGCAAAGACAGGAACAAGCC-3'